The following is an entry in ClinVar:

NM_006648.4(WNK2):c.2492C>T (p.Pro831Leu)

Gene: WNK2 (WNK lysine deficient protein kinase 2; plus strand). Cytogenetic location: 9q22.31.
Variant type: single nucleotide variant.
Coding change: c.2492C>T on transcript NM_006648.4 (MANE Select); coding-DNA position 2492, C replaced by T.
Protein change: p.Pro831Leu; replaces proline 831 with leucine.
Molecular consequence: missense variant.
Genome position (GRCh38, 1-based): chr9:93,259,040, C>T. VCF-style: chr9-93259040-C-T. GRCh37 (hg19) VCF-style: chr9-96021322-C-T.
Other names: c.2492C>T, p.Pro831Leu (NM_001282394.3); short protein forms P831L.
Identifiers: ClinVar variation 4842095 (VCV004842095.1).
Genomic context (GRCh38, chr9:93,259,040, plus strand): 5'-ACGGCCTCCCTCCGGCCCTCCCAGACCTGCCGACCGCGACTGTGCCTCCCGTGCCACCAC[C>T]TCAGTATTTCTCTCCAGCCGTGATCTTGCCGAGCCTCGCTGCCCCACTCCCCCCTGCGTC-3'
Protein context (NP_006639.3, residues 821-841): PTATVPPVPP[Pro831Leu]QYFSPAVILP

ClinVar aggregate classification (germline): Uncertain significance (1 of 4 stars; one submission).

gnomAD v4.1: 1 of 1,613,064 alleles (0.000062%); highest among the groups gnomAD compares: Non-Finnish European, 0.000085%; no homozygotes.

Submission:

Ambry Genetics
Classification: Uncertain significance. Last evaluated: 2025-12-22. Review status: criteria provided, single submitter. Criteria: Ambry Variant Classification Scheme 2023. Collection method: clinical testing. Allele origin: germline.
Comment: The p.P831L variant (also known as c.2492C>T), located in coding exon 11 of the WNK2 gene, results from a C to T substitution at nucleotide position 2492. The proline at codon 831 is replaced by leucine, an amino acid with similar properties. This amino acid position is conserved. In addition, the in silico prediction for this alteration is inconclusive. Based on the available evidence, the clinical significance of this variant remains unclear.